The following is an entry in ClinVar:

ClinVar aggregate classification (germline): Likely benign. Review status: criteria provided, multiple submitters, no conflicts (2 of 4 stars). 2 submissions from 2 submitters: Likely benign (2). Last evaluated 2024-03-22.

Conditions:
Melnick-Needles syndrome (MNS). Also called: MELNICK-NEEDLES OSTEODYSPLASTY; Melnick-Needles Syndrome (FLNA-MNS); OSTEODYSPLASTY OF MELNICK AND NEEDLES. Identifiers: Orphanet 2484, MedGen C0025237, MONDO:0010650, OMIM 309350.
Frontometaphyseal dysplasia (FMD1). Identifiers: Orphanet 1826, MedGen C0265293, MONDO:0015942.
Heterotopia, periventricular, X-linked dominant (PVNH1). Also called: PERIVENTRICULAR NODULAR HETEROTOPIA 4; HETEROTOPIA, PERIVENTRICULAR, 1; PERIVENTRICULAR NODULAR HETEROTOPIA 1; X-linked periventricular heterotopia. Identifiers: Orphanet 2149, Orphanet 82004, MedGen C1848213, MONDO:0010233, OMIM 300049.
Oto-palato-digital syndrome, type II (OPD2). Also called: Otopalatodigital Syndrome Type 2 (FLNA-OPD2); FACIOPALATOOSSEOUS SYNDROME; OPD II SYNDROME; Otopalatodigital Syndrome, Type II. Identifiers: Orphanet 669, Orphanet 90652, MedGen C1844696, MONDO:0010571, OMIM 304120.

Allele frequency attached by ClinVar (database versions not stated): gnomAD 0.00001.
gnomAD v4.1: 2 of 1,208,228 alleles (0.00017%); highest among the groups gnomAD compares: Non-Finnish European, 0.00011%; no homozygotes.

Submissions (2):

Labcorp Genetics (formerly Invitae), Labcorp
Classification: Likely benign for Oto-palato-digital syndrome, type II; Heterotopia, periventricular, X-linked dominant; Frontometaphyseal dysplasia; Melnick-Needles syndrome. Last evaluated: 2024-03-22. Review status: criteria provided, single submitter. Criteria: Invitae Variant Classification Sherloc (09022015). Collection method: clinical testing. Allele origin: germline.

GeneDx
Classification: Likely benign. Last evaluated: 2018-02-22. Review status: criteria provided, single submitter. Criteria: GeneDx Variant Classification (06012015). Collection method: clinical testing. Allele origin: germline. Affected: yes.
Comment: This variant is considered likely benign or benign based on one or more of the following criteria: it is a conservative change, it occurs at a poorly conserved position in the protein, it is predicted to be benign by multiple in silico algorithms, and/or has population frequency not consistent with disease.

NM_001110556.2(FLNA):c.1872C>T (p.Asp624=)

Gene: FLNA (filamin A; minus strand). Cytogenetic location: Xq28.
Variant type: single nucleotide variant.
Coding change: c.1872C>T on transcript NM_001110556.2 (MANE Select); coding-DNA position 1872, C replaced by T.
Protein change: p.Asp624=; no amino-acid change (aspartic acid 624 retained).
Molecular consequence: synonymous variant.
Genome position (GRCh38, 1-based): chrX:154,364,676, G>A on the plus strand (C>T on the coding strand, the complement: FLNA is on the minus strand). VCF-style: chrX-154364676-G-A. GRCh37 (hg19) VCF-style: chrX-153593044-G-A.
Other names: c.1872C>T, p.Asp624= (NM_001456.4).
Identifiers: ClinVar variation 515701 (VCV000515701.4), dbSNP rs1557178770, ClinGen allele CA519709038.